The following is an entry in ClinVar:

ClinVar aggregate classification (germline): Likely pathogenic (1 of 4 stars; one submission).

Conditions:
Dias-Logan syndrome. Also called: INTELLECTUAL DEVELOPMENTAL DISORDER WITH HEREDITARY PERSISTENCE OF FETAL HEMOGLOBIN; Intellectual developmental disorder with persistence of fetal hemoglobin. Identifiers: Orphanet 619233, MedGen C4310833, MONDO:0014914, OMIM 617101.

Submission:

Institute of Human Genetics, FAU Erlangen, Friedrich-Alexander-Universität Erlangen-Nürnberg
Classification: Likely pathogenic for Dias-Logan syndrome. Last evaluated: 2024-04-15. Review status: criteria provided, single submitter. Criteria: Hauer et al. (Genet Med. 2018). Collection method: clinical testing. Allele origin: germline. Inheritance: Autosomal dominant inheritance. Affected: yes. Observed: 1 variant allele.
Comment: This variant has been identified by standard clinical testing. Selected ACMG criteria: Likely pathogenic (I):PM2;PVS1

NM_022893.4(BCL11A):c.1230C>A (p.Cys410Ter)

Gene: BCL11A (BCL11 transcription factor A; minus strand). Cytogenetic location: 2p16.1.
Variant type: single nucleotide variant.
Coding change: c.1230C>A on transcript NM_022893.4 (MANE Select); coding-DNA position 1230, C replaced by A.
Protein change: p.Cys410Ter; replaces cysteine 410 with a stop codon.
Molecular consequence: nonsense. On other transcripts: intron variant (6).
Genome position (GRCh38, 1-based): chr2:60,461,682, G>T on the plus strand (C>A on the coding strand, the complement: BCL11A is on the minus strand). VCF-style: chr2-60461682-G-T. GRCh37 (hg19) VCF-style: chr2-60688817-G-T.
Other names: c.1128C>A, p.Cys376Ter (NM_001363864.1, NM_001365609.1, NM_001405711.1 and 2 more transcripts); c.1230C>A, p.Cys410Ter (NM_001405708.1, NM_001405709.1, NM_001405710.1 and 1 more transcripts); c.1074C>A, p.Cys358Ter (NM_001405713.1, NM_001405714.1, NM_001405715.1 and 3 more transcripts); c.972C>A, p.Cys324Ter (NM_001405717.1, NM_001405718.1, NM_001405724.1); c.774C>A, p.Cys258Ter (NM_001405728.1, NM_001405725.1, NM_001405726.1 and 1 more transcripts); c.537C>A, p.Cys179Ter (NM_001405729.1); c.693C>A, p.Cys231Ter (NM_001405730.1); c.237C>A, p.Cys79Ter (NM_001405731.1); and 5 more; short protein forms C179*, C231*, C258*, C299*, C324*, C358*, C376*, C410*.
Identifiers: ClinVar variation 3069151 (VCV003069151.1), dbSNP rs1676302520, ClinGen allele CA347038478.